The following is an entry in ClinVar:

NM_000179.3(MSH6):c.3724_3728delinsT (p.Arg1242fs)

Gene: MSH6 (mutS homolog 6; plus strand). Cytogenetic location: 2p16.3.
Variant type: Indel.
Coding change: c.3724_3728delinsT on transcript NM_000179.3 (MANE Select); coding-DNA positions 3724 to 3728, CGTAC replaced by T.
Protein change: p.Arg1242fs; shifts the reading frame from arginine 1242.
Molecular consequence: frameshift variant. On other transcripts: non-coding transcript variant (5).
Genome position (GRCh38, 1-based): chr2:47,806,281-47,806,285, CGTAC replaced by T. VCF-style: chr2-47806281-CGTAC-T. GRCh37 (hg19) VCF-style: chr2-48033420-CGTAC-T.
Other names: c.3427_3431delinsT, p.Arg1143fs (NM_001406830.1, NM_001406797.1, NM_001406801.1 and 10 more transcripts); c.505_509delinsT, p.Arg169fs (NM_001406831.1); c.571_575delinsT, p.Arg191fs (NM_001406832.1); c.1669_1673delinsT, p.Arg557fs (NM_001407362.1); c.3334_3338delinsT, p.Arg1112fs (NM_001281492.2); c.2818_2822delinsT, p.Arg940fs (NM_001281493.2, NM_001281494.2, NM_001406811.1 and 6 more transcripts); c.3820_3824delinsT, p.Arg1274fs (NM_001406795.1, NM_001406802.1); c.3724_3728delinsT, p.Arg1242fs (NM_001406796.1, NM_001406800.1, NM_001406808.1 and 1 more transcripts); and 7 more; short protein forms R1143fs, R1184fs, R1216fs, R1242fs, R1274fs, R169fs, R1186fs, R1244fs.
Identifiers: ClinVar variation 3913767 (VCV003913767.1).

ClinVar aggregate classification (germline): Pathogenic (1 of 4 stars; one submission).

Conditions:
Hereditary cancer-predisposing syndrome. Also called: Hereditary Cancer Syndrome; Hereditary neoplastic syndrome; Neoplastic Syndromes, Hereditary; Tumor predisposition. Identifiers: Orphanet 140162, MedGen C0027672, MeSH D009386, MONDO:0015356.

Submission:

Ambry Genetics
Classification: Pathogenic for Hereditary cancer-predisposing syndrome. Last evaluated: 2025-06-11. Review status: criteria provided, single submitter. Criteria: Ambry Variant Classification Scheme 2023. Collection method: clinical testing. Allele origin: germline.
Comment: The c.3724_3728delCGTACinsT pathogenic mutation, located in coding exon 8 of the MSH6 gene, results from the deletion of 5 nucleotides and insertion of one nucleotide causing a translational frameshift with a predicted alternate stop codon (p.R1242Yfs*10). This variant is considered to be rare based on population cohorts in the Genome Aggregation Database (gnomAD). This alteration is expected to result in loss of function by premature protein truncation or nonsense-mediated mRNA decay. As such, this alteration is interpreted as a disease-causing mutation.